The following is an entry in ClinVar:

NM_001378183.1(PIEZO2):c.3923+3A>C

Gene: PIEZO2 (piezo type mechanosensitive ion channel component 2; minus strand). Cytogenetic location: 18p11.22.
Variant type: single nucleotide variant.
Coding change: c.3923+3A>C on transcript NM_001378183.1 (MANE Select); 3 bases into the intron after coding-DNA position 3923, A replaced by C.
Molecular consequence: intron variant.
Genome position (GRCh38, 1-based): chr18:10,757,966, T>G on the plus strand (A>C on the coding strand, the complement: PIEZO2 is on the minus strand). VCF-style: chr18-10757966-T-G. GRCh37 (hg19) VCF-style: chr18-10757964-T-G.
Other names: c.3848+3A>C (NM_022068.4); c.3923+3A>C (NM_001410871.1).
Identifiers: ClinVar variation 4883526 (VCV004883526.2).

ClinVar aggregate classification (germline): Uncertain significance (1 of 4 stars; one submission).

Conditions:
Marden-Walker syndrome (MWKS). Also called: Connective tissue disorder Marden Walker type. Identifiers: Orphanet 2461, MedGen C0796033, MONDO:0009564, OMIM 248700.

Submission:

Dasa
Classification: Uncertain significance for Marden-Walker syndrome. Last evaluated: 2026-04-23. Review status: criteria provided, single submitter. Criteria: DASA Assertion Criteria. Collection method: clinical testing. Allele origin: germline.
Comment: NM_001378183.1(PIEZO2):c.3923+3A>C is a splice-region variant. This variant is rare in population databases. Computational prediction algorithms are consistent with a deleterious effect. The currently available literature and clinical evidence are not sufficient to establish a definitive association between this variant and the reported condition. Therefore, this variant is classified as a variant of uncertain significance.